The following is an entry in ClinVar:

ClinVar aggregate classification (germline): Likely benign. Review status: criteria provided, multiple submitters, no conflicts (2 of 4 stars). 3 submissions from 3 submitters: Likely benign (2). 1 of the submissions does not count toward it. Last evaluated 2026-01-11.

Conditions:
ADGRV1-related disorder. Also called: ADGRV1-related disorders; ADGRV1-related condition.

Allele frequency attached by ClinVar (database versions not stated): gnomAD 0.00007 and 0.00006; TOPMed 0.00008; 1000 Genomes Project 30x 0.00016; 1000 Genomes Project 0.00020; ExAC 0.00002; gnomAD exomes 0.00004.
gnomAD v4.1: 73 of 1,613,820 alleles (0.0045%); highest among the groups gnomAD compares: African/African-American, 0.041%; no homozygotes.

Submissions (3):

Labcorp Genetics (formerly Invitae), Labcorp
Classification: Likely benign. Last evaluated: 2026-01-11. Review status: criteria provided, single submitter. Criteria: Invitae Variant Classification Sherloc (09022015). Collection method: clinical testing. Allele origin: germline.

Blueprint Genetics
Classification: Likely benign. Last evaluated: 2024-09-18. Review status: criteria provided, single submitter. Criteria: ACMG Guidelines, 2015. Collection method: clinical testing. Allele origin: germline.

PreventionGenetics, part of Exact Sciences
Classification: Likely benign for ADGRV1-related condition. Last evaluated: 2019-07-19. Review status: no assertion criteria provided. Collection method: clinical testing. Allele origin: germline. Not counted in ClinVar's aggregate classification.
Comment: This variant is classified as likely benign based on ACMG/AMP sequence variant interpretation guidelines (Richards et al. 2015 PMID: 25741868, with internal and published modifications).

NM_032119.4(ADGRV1):c.15414C>T (p.Pro5138=)

Gene: ADGRV1 (adhesion G protein-coupled receptor V1; plus strand). Cytogenetic location: 5q14.3.
Variant type: single nucleotide variant.
Coding change: c.15414C>T on transcript NM_032119.4 (MANE Select); coding-DNA position 15414, C replaced by T.
Protein change: p.Pro5138=; no amino-acid change (proline 5138 retained).
Molecular consequence: synonymous variant. On other transcripts: non-coding transcript variant (1).
Genome position (GRCh38, 1-based): chr5:90,810,674, C>T. VCF-style: chr5-90810674-C-T. GRCh37 (hg19) VCF-style: chr5-90106491-C-T.
Other names: c.15414C>T (NM_032119.3).
Identifiers: ClinVar variation 1613126 (VCV001613126.11), dbSNP rs547006152, ClinGen allele CA3341914.